The following is an entry in ClinVar:

NM_005765.3(ATP6AP2):c.375G>T (p.Leu125Phe)

Gene: ATP6AP2 (ATPase H+ transporting accessory protein 2; plus strand). Cytogenetic location: Xp11.4.
Variant type: single nucleotide variant.
Coding change: c.375G>T on transcript NM_005765.3 (MANE Select); coding-DNA position 375, G replaced by T.
Protein change: p.Leu125Phe; replaces leucine 125 with phenylalanine.
Molecular consequence: missense variant.
Genome position (GRCh38, 1-based): chrX:40,597,323, G>T. VCF-style: chrX-40597323-G-T. GRCh37 (hg19) VCF-style: chrX-40456575-G-T.
Other names: c.375G>T (NM_005765.2); short protein forms L125F.
Identifiers: ClinVar variation 2703046 (VCV002703046.5), dbSNP rs1926797379, ClinGen allele CA412755417.
Genomic context (GRCh38, chrX:40,597,323, plus strand): 5'-TCTTGACAGTGTTGCAAATTCCATTCACTCCTTATTTTCTGAGGAAACTCCTGTTGTTTT[G>T]CAGTTGGCTCCCAGTGAGGAAGTAAGTGATAAGGGTTTTATTCAAGACATTTTAAAAAAT-3'
Protein context (NP_005756.2, residues 115-135): SLFSEETPVV[Leu125Phe]QLAPSEERVY

ClinVar aggregate classification (germline): Uncertain significance. Review status: criteria provided, multiple submitters, no conflicts (2 of 4 stars). 2 submissions from 2 submitters: Uncertain significance (2). Last evaluated 2026-01-15.

Conditions:
Intellectual developmental disorder, X-linked, syndromic, Hedera type. Also called: Syndromic X-linked intellectual disability Hedera type. Identifiers: Orphanet 93952, MedGen C1845543, MONDO:0010319, OMIM 300423.

Submissions (2):

GeneDx
Classification: Uncertain significance. Last evaluated: 2026-01-15. Review status: criteria provided, single submitter. Criteria: GeneDx Variant Classification Process June 2021. Collection method: clinical testing. Allele origin: germline.
Comment: Not observed at significant frequency in large population cohorts (gnomAD); Has not been previously published as pathogenic or benign to our knowledge; In silico analysis suggests that this missense variant does not alter protein structure/function

Labcorp Genetics (formerly Invitae), Labcorp
Classification: Uncertain significance for Intellectual developmental disorder, X-linked, syndromic, Hedera type. Last evaluated: 2023-12-14. Review status: criteria provided, single submitter. Criteria: Invitae Variant Classification Sherloc (09022015). Collection method: clinical testing. Allele origin: germline.
Comment: This sequence change replaces leucine, which is neutral and non-polar, with phenylalanine, which is neutral and non-polar, at codon 125 of the ATP6AP2 protein (p.Leu125Phe). This variant is not present in population databases (gnomAD no frequency). This variant has not been reported in the literature in individuals affected with ATP6AP2-related conditions. Advanced modeling of protein sequence and biophysical properties (such as structural, functional, and spatial information, amino acid conservation, physicochemical variation, residue mobility, and thermodynamic stability) performed at Invitae indicates that this missense variant is not expected to disrupt ATP6AP2 protein function with a negative predictive value of 80%. In summary, the available evidence is currently insufficient to determine the role of this variant in disease. Therefore, it has been classified as a Variant of Uncertain Significance.